The following is an entry in ClinVar:

ClinVar aggregate classification (germline): Uncertain significance (1 of 4 stars; one submission).

Conditions:
Pitt-Hopkins-like syndrome 2 (PTHSL2). Identifiers: Orphanet 221150, Orphanet 600663, MedGen C3280479, MONDO:0013690, OMIM 614325.

Allele frequency attached by ClinVar (database versions not stated): gnomAD exomes below 0.00001; TOPMed below 0.00001.
gnomAD v4.1: 1 of 1,614,046 alleles (0.000062%); highest among the groups gnomAD compares: Non-Finnish European, 0.000085%; no homozygotes.

Submission:

Labcorp Genetics (formerly Invitae), Labcorp
Classification: Uncertain significance for Pitt-Hopkins-like syndrome 2. Last evaluated: 2022-07-19. Review status: criteria provided, single submitter. Criteria: Invitae Variant Classification Sherloc (09022015). Collection method: clinical testing. Allele origin: germline.
Comment: In summary, the available evidence is currently insufficient to determine the role of this variant in disease. Therefore, it has been classified as a Variant of Uncertain Significance. Algorithms developed to predict the effect of missense changes on protein structure and function (SIFT, PolyPhen-2, Align-GVGD) all suggest that this variant is likely to be tolerated. ClinVar contains an entry for this variant (Variation ID: 1494079). This variant has not been reported in the literature in individuals affected with NRXN1-related conditions. This variant is not present in population databases (gnomAD no frequency). This sequence change replaces alanine, which is neutral and non-polar, with valine, which is neutral and non-polar, at codon 1521 of the NRXN1 protein (p.Ala1521Val).

NM_001330078.2(NRXN1):c.4442C>T (p.Ala1481Val)

Gene: NRXN1 (neurexin 1; minus strand). Cytogenetic location: 2p16.3.
Variant type: single nucleotide variant.
Coding change: c.4442C>T on transcript NM_001330078.2 (MANE Select); coding-DNA position 4442, C replaced by T.
Protein change: p.Ala1481Val; replaces alanine 1481 with valine.
Molecular consequence: missense variant.
Genome position (GRCh38, 1-based): chr2:49,922,026, G>A on the plus strand (C>T on the coding strand, the complement: NRXN1 is on the minus strand). VCF-style: chr2-49922026-G-A. GRCh37 (hg19) VCF-style: chr2-50149164-G-A.
Other names: c.4562C>T, p.Ala1521Val (NM_001135659.3); c.347C>T, p.Ala116Val (NM_001320156.4); c.338C>T, p.Ala113Val (NM_001320157.4); c.4418C>T, p.Ala1473Val (NM_001330077.2); c.4409C>T, p.Ala1470Val (NM_001330082.2); c.4277C>T, p.Ala1426Val (NM_001330083.2); c.4376C>T, p.Ala1459Val (NM_001330084.2); c.4415C>T, p.Ala1472Val (NM_001330085.2); and 12 more; short protein forms A1473V, A416V, A443V, A113V, A1434V, A1470V, A1472V, A1474V.
Identifiers: ClinVar variation 1494079 (VCV001494079.6), dbSNP rs1159515190, ClinGen allele CA346818338.